The following is an entry in ClinVar:

ClinVar aggregate classification (germline): Pathogenic (1 of 4 stars; one submission).

Allele frequency attached by ClinVar (database versions not stated): gnomAD exomes below 0.00001.
gnomAD v4.1: 4 of 1,613,978 alleles (0.00025%); highest among the groups gnomAD compares: Non-Finnish European, 0.00034%; no homozygotes.

Submission:

GeneDx
Classification: Pathogenic. Last evaluated: 2016-09-16. Review status: criteria provided, single submitter. Criteria: GeneDx Variant Classification (06012015). Collection method: clinical testing. Allele origin: germline. Affected: yes.
Comment: The Q607X pathogenic variant in the CNTNAP2 gene has not been reported previously as a pathogenic variant nor as a benign variant, to our knowledge. This variant is predicted to cause loss of normal protein function either through protein truncation or nonsense-mediated mRNA decay. The Q607X variant was not observed in approximately 6500 individuals of European and African American ancestry in the NHLBI Exome Sequencing Project, indicating it is not a common benign variant in these populations. We interpret Q607X as a pathogenic variant.

NM_014141.6(CNTNAP2):c.1819C>T (p.Gln607Ter)

Gene: CNTNAP2 (contactin associated protein 2; plus strand). Cytogenetic location: 7q35.
Variant type: single nucleotide variant.
Coding change: c.1819C>T on transcript NM_014141.6 (MANE Select); coding-DNA position 1819, C replaced by T.
Protein change: p.Gln607Ter; replaces glutamine 607 with a stop codon.
Molecular consequence: nonsense.
Genome position (GRCh38, 1-based): chr7:147,562,179, C>T. VCF-style: chr7-147562179-C-T. GRCh37 (hg19) VCF-style: chr7-147259271-C-T.
Other names: short protein forms Q607*.
Identifiers: ClinVar variation 280860 (VCV000280860.2), dbSNP rs886041991, ClinGen allele CA10603047.